The following is an entry in ClinVar:

NM_032607.3(CREB3L3):c.725G>C (p.Arg242Pro)

Gene: CREB3L3 (cAMP responsive element binding protein 3 like 3; plus strand). Cytogenetic location: 19p13.3.
Variant type: single nucleotide variant.
Coding change: c.725G>C on transcript NM_032607.3 (MANE Select); coding-DNA position 725, G replaced by C.
Protein change: p.Arg242Pro; replaces arginine 242 with proline.
Molecular consequence: missense variant. On other transcripts: intron variant (1).
Genome position (GRCh38, 1-based): chr19:4,168,361, G>C. VCF-style: chr19-4168361-G-C. GRCh37 (hg19) VCF-style: chr19-4168358-G-C.
Other names: c.722G>C, p.Arg241Pro (NM_001271995.2); c.719G>C, p.Arg240Pro (NM_001271996.2); c.715-1779G>C (NM_001271997.2); short protein forms R241P, R240P, R242P.
Identifiers: ClinVar variation 2988331 (VCV002988331.3), dbSNP rs772368818, ClinGen allele CA9091448.

ClinVar aggregate classification (germline): Uncertain significance (1 of 4 stars; one submission).

Allele frequency attached by ClinVar (database versions not stated): TOPMed below 0.00001; ExAC 0.00001; gnomAD 0.00001.
gnomAD v4.1: 44 of 1,609,510 alleles (0.0027%); highest among the groups gnomAD compares: Non-Finnish European, 0.0037%; no homozygotes.

Submission:

Labcorp Genetics (formerly Invitae), Labcorp
Classification: Uncertain significance. Last evaluated: 2023-02-16. Review status: criteria provided, single submitter. Criteria: Invitae Variant Classification Sherloc (09022015). Collection method: clinical testing. Allele origin: germline.
Comment: This sequence change replaces arginine, which is basic and polar, with proline, which is neutral and non-polar, at codon 242 of the CREB3L3 protein (p.Arg242Pro). This variant is present in population databases (rs772368818, gnomAD 0.003%). This missense change has been observed in individual(s) with CREB3L3-related conditions (PMID: 32041611). Advanced modeling of protein sequence and biophysical properties (such as structural, functional, and spatial information, amino acid conservation, physicochemical variation, residue mobility, and thermodynamic stability) performed at Invitae indicates that this missense variant is expected to disrupt CREB3L3 protein function. In summary, the available evidence is currently insufficient to determine the role of this variant in disease. Therefore, it has been classified as a Variant of Uncertain Significance.

Literature cited by the submitters: PubMed 32041611.